The following is an entry in ClinVar:

GRCh38/hg38 2q24.3(chr2:165317618-165327618)x1

Gene: SCN2A (sodium voltage-gated channel alpha subunit 2; plus strand). Cytogenetic location: 2q24.3.
Variant type: copy number loss.
Change: copy number 1 (one copy instead of two) of chr2:165,317,618-165,327,618 (10.0 kb, GRCh38 coordinates, 1-based), cytogenetic band 2q24.3.
Identifiers: ClinVar variation 3571446 (VCV003571446.1).

ClinVar aggregate classification (germline): Pathogenic (1 of 4 stars; one submission).

Conditions:
Developmental and epileptic encephalopathy, 11 (DEE11). Also called: Early infantile epileptic encephalopathy 11. Identifiers: Orphanet 1934, MedGen C3150987, MONDO:0013388, OMIM 613721.

Submission:

Broad Center for Mendelian Genomics, Broad Institute of MIT and Harvard
Classification: Pathogenic for Developmental and epileptic encephalopathy, 11. Last evaluated: 2024-12-09. Review status: criteria provided, single submitter. Criteria: ACMG/ClinGen CNV Guidelines, 2019. Collection method: research. Allele origin: paternal. Inheritance: Autosomal dominant inheritance. Affected: yes. Study: GREGoR Consortium.
Comment: A heterozygous deletion of exons 12-13 in SCN2A (NM_001040142.2) was identified by genome sequencing in one individual with developmental and epileptic encephalopathy 11 ([GRCh 38] chr2:165317618_165327618x1; PMID: 38258669). This variant was inherited from an unaffected father who is mosaic for the variant. The patient phenotype is nonspecific, but is consistent with cases described in the literature. This intragenic variant is predicted to cause a frameshift, which alters the protein’s amino acid sequence beginning at exon 12 and leads to a premature termination codon. This alteration is then predicted to lead to a truncated or absent protein. Heterozygous loss of function of the SCN2A gene is an established disease mechanism in developmental and epileptic encephalopathy. In summary, this variant meets criteria to be classified as pathogenic for autosomal dominant developmental and epileptic encephalopathy. The ACMG/ClinGen evidence codes and points used in this curation are as follows: 1: 0 points, 2: 0.9 points, 3: 0 points, 4-5: 0.1 points; Total: 1 point; Riggs 2020 (PMID: 31690835).

Literature cited by the submitters: PubMed 38258669.